The following is an entry in ClinVar:

NM_178229.5(IQGAP3):c.1778G>T (p.Arg593Leu)

Gene: IQGAP3 (IQ motif containing GTPase activating protein 3; minus strand). Cytogenetic location: 1q22.
Variant type: single nucleotide variant.
Coding change: c.1778G>T on transcript NM_178229.5 (MANE Select); coding-DNA position 1778, G replaced by T.
Protein change: p.Arg593Leu; replaces arginine 593 with leucine.
Molecular consequence: missense variant.
Genome position (GRCh38, 1-based): chr1:156,550,308, C>A on the plus strand (G>T on the coding strand, the complement: IQGAP3 is on the minus strand). VCF-style: chr1-156550308-C-A. GRCh37 (hg19) VCF-style: chr1-156520100-C-A.
Other names: short protein forms R593L.
Identifiers: ClinVar variation 775144 (VCV000775144.6), dbSNP rs59573847, ClinGen allele CA1161530.

ClinVar aggregate classification (germline): Benign. Review status: criteria provided, multiple submitters, no conflicts (2 of 4 stars). 3 submissions from 3 submitters: Benign (2). 1 of the submissions does not count toward it. Last evaluated 2018-04-16.

Conditions:
IQGAP3-related disorder. Also called: IQGAP3-related condition.

Allele frequency attached by ClinVar (database versions not stated): TOPMed 0.02355; 1000 Genomes Project 0.02396; 1000 Genomes Project 30x 0.02498; ESP Exome Variant Server 0.02583.
gnomAD v4.1: 6,379 of 1,613,882 alleles (0.4%); highest among the groups gnomAD compares: African/African-American, 7.2%; 181 homozygotes.

Submissions (3):

Labcorp Genetics (formerly Invitae), Labcorp
Classification: Benign. Last evaluated: 2018-04-16. Review status: criteria provided, single submitter. Criteria: Invitae Variant Classification Sherloc (09022015). Collection method: clinical testing. Allele origin: germline.

Breakthrough Genomics
Classification: Benign. Review status: criteria provided, single submitter. Criteria: ACMG Guidelines, 2015. Collection method: not provided. Allele origin: germline. Inheritance: Unknown mechanism. Affected: yes.

PreventionGenetics, part of Exact Sciences
Classification: Benign for IQGAP3-related condition. Last evaluated: 2019-03-20. Review status: no assertion criteria provided. Collection method: clinical testing. Allele origin: germline. Not counted in ClinVar's aggregate classification.
Comment: This variant is classified as benign based on ACMG/AMP sequence variant interpretation guidelines (Richards et al. 2015 PMID: 25741868, with internal and published modifications).